The following is an entry in ClinVar:

NM_001042472.3(ABHD12):c.121C>T (p.Arg41Cys)

Genes: ABHD12 (abhydrolase domain containing 12, lysophospholipase; minus strand), LOC130065586 (ATAC-STARR-seq lymphoblastoid silent region 12752; plus strand). Cytogenetic location: 20p11.21.
Variant type: single nucleotide variant.
Coding change: c.121C>T on transcript NM_001042472.3 (MANE Select); coding-DNA position 121, C replaced by T.
Protein change: p.Arg41Cys; replaces arginine 41 with cysteine.
Molecular consequence: missense variant.
Genome position (GRCh38, 1-based): chr20:25,390,583, G>A on the plus strand (C>T on the coding strand, the complement: ABHD12 is on the minus strand). VCF-style: chr20-25390583-G-A. GRCh37 (hg19) VCF-style: chr20-25371219-G-A.
Other names: c.121C>T, p.Arg41Cys (NM_015600.5); short protein forms R41C.
Identifiers: ClinVar variation 1390697 (VCV001390697.8), dbSNP rs879755315, ClinGen allele CA408445148.

ClinVar aggregate classification (germline): Uncertain significance (1 of 4 stars; one submission).

Allele frequency attached by ClinVar (database versions not stated): TOPMed below 0.00001.
gnomAD v4.1: 3 of 1,479,020 alleles (0.0002%); highest among the groups gnomAD compares: Middle Eastern, 0.021%; no homozygotes.

Submission:

Labcorp Genetics (formerly Invitae), Labcorp
Classification: Uncertain significance. Last evaluated: 2022-09-06. Review status: criteria provided, single submitter. Criteria: Invitae Variant Classification Sherloc (09022015). Collection method: clinical testing. Allele origin: germline.
Comment: In summary, the available evidence is currently insufficient to determine the role of this variant in disease. Therefore, it has been classified as a Variant of Uncertain Significance. Algorithms developed to predict the effect of missense changes on protein structure and function output the following: SIFT: "Deleterious"; PolyPhen-2: "Benign"; Align-GVGD: "Class C0". The cysteine amino acid residue is found in multiple mammalian species, which suggests that this missense change does not adversely affect protein function. ClinVar contains an entry for this variant (Variation ID: 1390697). This variant has not been reported in the literature in individuals affected with ABHD12-related conditions. This variant is not present in population databases (gnomAD no frequency). This sequence change replaces arginine, which is basic and polar, with cysteine, which is neutral and slightly polar, at codon 41 of the ABHD12 protein (p.Arg41Cys).